The following is an entry in ClinVar:

NM_000535.7(PMS2):c.1433G>C (p.Ser478Thr)

Gene: PMS2 (PMS1 homolog 2, mismatch repair system component; minus strand). Cytogenetic location: 7p22.1.
Variant type: single nucleotide variant.
Coding change: c.1433G>C on transcript NM_000535.7 (MANE Select); coding-DNA position 1433, G replaced by C.
Protein change: p.Ser478Thr; replaces serine 478 with threonine.
Molecular consequence: missense variant. On other transcripts: non-coding transcript variant (1).
Genome position (GRCh38, 1-based): chr7:5,987,332, C>G on the plus strand (G>C on the coding strand, the complement: PMS2 is on the minus strand). VCF-style: chr7-5987332-C-G. GRCh37 (hg19) VCF-style: chr7-6026963-C-G.
Other names: c.1028G>C, p.Ser343Thr (NM_001322003.2, NM_001322004.2, NM_001322005.2 and 1 more transcripts); c.1277G>C, p.Ser426Thr (NM_001322006.2); c.1115G>C, p.Ser372Thr (NM_001322007.2, NM_001322008.2); c.872G>C, p.Ser291Thr (NM_001322010.2); c.500G>C, p.Ser167Thr (NM_001322011.2, NM_001322012.2); c.860G>C, p.Ser287Thr (NM_001322013.2); c.1433G>C, p.Ser478Thr (NM_001322014.2); c.1124G>C, p.Ser375Thr (NM_001322015.2); short protein forms S167T, S287T, S291T, S343T, S375T, S478T, S372T, S426T.
Identifiers: ClinVar variation 647704 (VCV000647704.11), dbSNP rs748643694, ClinGen allele CA366742004.

ClinVar aggregate classification (germline): Conflicting classifications of pathogenicity. Review status: criteria provided, conflicting classifications (1 of 4 stars). 2 submissions from 2 submitters: Uncertain significance (1); Likely benign (1). Last evaluated 2025-04-01.

Conditions:
Hereditary nonpolyposis colorectal neoplasms. Identifiers: MedGen C0009405, MeSH D003123.
Hereditary cancer-predisposing syndrome. Also called: Hereditary Cancer Syndrome; Tumor predisposition; Hereditary neoplastic syndrome; Neoplastic Syndromes, Hereditary. Identifiers: Orphanet 140162, MedGen C0027672, MeSH D009386, MONDO:0015356.

Submissions (2):

Ambry Genetics
Classification: Likely benign for Hereditary cancer-predisposing syndrome. Last evaluated: 2025-04-01. Review status: criteria provided, single submitter. Criteria: Ambry Variant Classification Scheme 2023. Collection method: clinical testing. Allele origin: germline.

Labcorp Genetics (formerly Invitae), Labcorp
Classification: Uncertain significance for Hereditary nonpolyposis colorectal neoplasms. Last evaluated: 2022-11-01. Review status: criteria provided, single submitter. Criteria: Invitae Variant Classification Sherloc (09022015). Collection method: clinical testing. Allele origin: germline.
Comment: In summary, the available evidence is currently insufficient to determine the role of this variant in disease. Therefore, it has been classified as a Variant of Uncertain Significance. This sequence change replaces serine, which is neutral and polar, with threonine, which is neutral and polar, at codon 478 of the PMS2 protein (p.Ser478Thr). This variant is not present in population databases (gnomAD no frequency). This variant has not been reported in the literature in individuals affected with PMS2-related conditions. ClinVar contains an entry for this variant (Variation ID: 647704). Advanced modeling of protein sequence and biophysical properties (such as structural, functional, and spatial information, amino acid conservation, physicochemical variation, residue mobility, and thermodynamic stability) performed at Invitae indicates that this missense variant is not expected to disrupt PMS2 protein function.